The following is an entry in ClinVar:

ClinVar aggregate classification (germline): Uncertain significance (1 of 4 stars; one submission).

Allele frequency attached by ClinVar (database versions not stated): gnomAD 0.00003; gnomAD exomes 0.00003; TOPMed 0.00006; ExAC 0.00007.
gnomAD v4.1: 24 of 1,604,052 alleles (0.0015%); highest among the groups gnomAD compares: Admixed American, 0.04%; no homozygotes.

Submission:

Labcorp Genetics (formerly Invitae), Labcorp
Classification: Uncertain significance. Last evaluated: 2025-11-03. Review status: criteria provided, single submitter. Criteria: Invitae Variant Classification Sherloc (09022015). Collection method: clinical testing. Allele origin: germline.
Comment: This sequence change replaces asparagine, which is neutral and polar, with lysine, which is basic and polar, at codon 900 of the RAB3GAP1 protein (p.Asn900Lys). This variant is present in population databases (rs757395742, gnomAD 0.06%). This variant has not been reported in the literature in individuals affected with RAB3GAP1-related conditions. ClinVar contains an entry for this variant (Variation ID: 2062507). Invitae Evidence Modeling of protein sequence and biophysical properties (such as structural, functional, and spatial information, amino acid conservation, physicochemical variation, residue mobility, and thermodynamic stability) indicates that this missense variant is not expected to disrupt RAB3GAP1 protein function with a negative predictive value of 80%. In summary, the available evidence is currently insufficient to determine the role of this variant in disease. Therefore, it has been classified as a Variant of Uncertain Significance.

NM_012233.3(RAB3GAP1):c.2700T>A (p.Asn900Lys)

Gene: RAB3GAP1 (RAB3 GTPase activating protein catalytic subunit 1; plus strand). Cytogenetic location: 2q21.3.
Variant type: single nucleotide variant.
Coding change: c.2700T>A on transcript NM_012233.3 (MANE Select); coding-DNA position 2700, T replaced by A.
Protein change: p.Asn900Lys; replaces asparagine 900 with lysine.
Molecular consequence: missense variant.
Genome position (GRCh38, 1-based): chr2:135,164,687, T>A. VCF-style: chr2-135164687-T-A. GRCh37 (hg19) VCF-style: chr2-135922257-T-A.
Other names: c.2700T>A, p.Asn900Lys (NM_001172435.2); short protein forms N900K.
Identifiers: ClinVar variation 2062507 (VCV002062507.2), dbSNP rs757395742, ClinGen allele CA1885154.